The following is an entry in ClinVar:

NM_005219.5(DIAPH1):c.1967C>T (p.Pro656Leu)

Gene: DIAPH1 (diaphanous related formin 1; minus strand). Cytogenetic location: 5q31.3.
Variant type: single nucleotide variant.
Coding change: c.1967C>T on transcript NM_005219.5 (MANE Select); coding-DNA position 1967, C replaced by T.
Protein change: p.Pro656Leu; replaces proline 656 with leucine.
Molecular consequence: missense variant.
Genome position (GRCh38, 1-based): chr5:141,573,883, G>A on the plus strand (C>T on the coding strand, the complement: DIAPH1 is on the minus strand). VCF-style: chr5-141573883-G-A. GRCh37 (hg19) VCF-style: chr5-140953450-G-A.
Other names: c.1940C>T, p.Pro647Leu (NM_001079812.3); c.1967C>T, p.Pro656Leu (NM_001314007.2); short protein forms P656L, P647L.
Identifiers: ClinVar variation 2116233 (VCV002116233.4), dbSNP rs2099895564, ClinGen allele CA361519630.

ClinVar aggregate classification (germline): Uncertain significance (1 of 4 stars; one submission).

Conditions:
Autosomal dominant nonsyndromic hearing loss 1. Also called: KONIGSMARK SYNDROME; DEAFNESS, AUTOSOMAL DOMINANT 1, WITH OR WITHOUT THROMBOCYTOPENIA. Identifiers: Orphanet 90635, MedGen C1852282, MONDO:0007424, OMIM 124900.
Progressive microcephaly-seizures-cortical blindness-developmental delay syndrome. Also called: Seizures, cortical blindness, and microcephaly syndrome. Identifiers: Orphanet 477814, MedGen C5567650, MONDO:0014714, OMIM 616632.

Allele frequency attached by ClinVar (database versions not stated): gnomAD exomes below 0.00001.
gnomAD v4.1: 2 of 1,543,502 alleles (0.00013%); highest among the groups gnomAD compares: South Asian, 0.0025%; no homozygotes.

Submission:

Labcorp Genetics (formerly Invitae), Labcorp
Classification: Uncertain significance for Progressive microcephaly-seizures-cortical blindness-developmental delay syndrome; Autosomal dominant nonsyndromic hearing loss 1. Last evaluated: 2022-05-11. Review status: criteria provided, single submitter. Criteria: Invitae Variant Classification Sherloc (09022015). Collection method: clinical testing. Allele origin: germline.
Comment: In summary, the available evidence is currently insufficient to determine the role of this variant in disease. Therefore, it has been classified as a Variant of Uncertain Significance. Algorithms developed to predict the effect of missense changes on protein structure and function are either unavailable or do not agree on the potential impact of this missense change (SIFT: "Deleterious"; PolyPhen-2: "Not Available"; Align-GVGD: "Class C0"). This variant has not been reported in the literature in individuals affected with DIAPH1-related conditions. This variant is not present in population databases (gnomAD no frequency). This sequence change replaces proline, which is neutral and non-polar, with leucine, which is neutral and non-polar, at codon 656 of the DIAPH1 protein (p.Pro656Leu).